The following is an entry in ClinVar:

ClinVar aggregate classification (germline): Uncertain significance (1 of 4 stars; one submission).

Conditions:
Hereditary nonpolyposis colorectal neoplasms. Identifiers: MedGen C0009405, MeSH D003123.

Submission:

Labcorp Genetics (formerly Invitae), Labcorp
Classification: Uncertain significance for Hereditary nonpolyposis colorectal neoplasms. Last evaluated: 2024-02-12. Review status: criteria provided, single submitter. Criteria: Invitae Variant Classification Sherloc (09022015). Collection method: clinical testing. Allele origin: germline.
Comment: This sequence change replaces valine, which is neutral and non-polar, with leucine, which is neutral and non-polar, at codon 867 of the MSH6 protein (p.Val867Leu). This variant is not present in population databases (gnomAD no frequency). This variant has not been reported in the literature in individuals affected with MSH6-related conditions. ClinVar contains an entry for this variant (Variation ID: 1482797). Advanced modeling of protein sequence and biophysical properties (such as structural, functional, and spatial information, amino acid conservation, physicochemical variation, residue mobility, and thermodynamic stability) performed at Invitae indicates that this missense variant is not expected to disrupt MSH6 protein function with a negative predictive value of 95%. In summary, the available evidence is currently insufficient to determine the role of this variant in disease. Therefore, it has been classified as a Variant of Uncertain Significance.

NM_000179.3(MSH6):c.2599G>C (p.Val867Leu)

Gene: MSH6 (mutS homolog 6; plus strand). Cytogenetic location: 2p16.3.
Variant type: single nucleotide variant.
Coding change: c.2599G>C on transcript NM_000179.3 (MANE Select); coding-DNA position 2599, G replaced by C.
Protein change: p.Val867Leu; replaces valine 867 with leucine.
Molecular consequence: missense variant.
Genome position (GRCh38, 1-based): chr2:47,800,582, G>C. VCF-style: chr2-47800582-G-C. GRCh37 (hg19) VCF-style: chr2-48027721-G-C.
Other names: c.2209G>C, p.Val737Leu (NM_001281492.2); c.1693G>C, p.Val565Leu (NM_001281493.2, NM_001281494.2); short protein forms V565L, V737L, V867L.
Identifiers: ClinVar variation 1482797 (VCV001482797.6), dbSNP rs745954217, ClinGen allele CA346754914.